The following is an entry in ClinVar:

ClinVar aggregate classification (germline): Likely pathogenic (1 of 4 stars; one submission).

Conditions:
Gillespie syndrome (GLSP). Also called: Aniridia, cerebellar ataxia, and mental deficiency; Aniridia-cerebellar ataxia-intellectual disability syndrome. Identifiers: Orphanet 1065, MedGen C0431401, MONDO:0008795, OMIM 206700.

Submission:

Molecular Genetics Laboratory, Motol Hospital
Classification: Likely pathogenic for Gillespie syndrome. Last evaluated: 2026-05-08. Review status: criteria provided, single submitter. Criteria: ACMG Guidelines, 2015. Collection method: clinical testing. Allele origin: germline. Inheritance: Autosomal dominant inheritance. Affected: yes. Observed: 4 variant alleles, 4 heterozygotes. Clinical features observed: Microcephaly (HP:0000252), Delayed gross motor development (HP:0002194), Hypoplasia of the iris (HP:0007676), Congenital aniridia (HP:0000526), Mydriasis (HP:0011499).
Comment: However, the imcomplete penetrance/phenotypic variability is suggestive, as the variant was detected in apparently unaffected relatives during the segregation analysis by Sanger sequencing. The variant is rare, present in non-Finnish European population (gnomAD v4.1.1; 1x heterozygous state; frequency 1/1141876). The complementary RNA/cDNA analysis confirmed the deleterious effect on splicing. The variant leads to the creation of novel acceptor splice site and inclusion of 24 bp from intron 46 into the coding sequence. The in-frame insertion of 24 bp does not trigger the process of nonsense-mediated mRNA decay as confirmed by additional RT-qPCR analysis. The adjacent variant NM_001168272.1:c.5935-17G>A (NM_001378452.1.c.5980-17G>A) leads to the similar effect (in-frame insertion of 15 bp from intron into the coding sequence) was published as a de novo variant in an individual with similar abnormal phenotype, leading to Gillespie syndrome (OMIM:206700) (PMID: 33949769). The variant NM_001378452.1:c.5935-26C>A is classified as likely pathogenic.

NM_001378452.1(ITPR1):c.5980-26C>A

Gene: ITPR1 (inositol 1,4,5-trisphosphate receptor type 1; plus strand). Cytogenetic location: 3p26.1.
Variant type: single nucleotide variant.
Coding change: c.5980-26C>A on transcript NM_001378452.1 (MANE Select); 26 bases into the intron before coding-DNA position 5980, C replaced by A.
Molecular consequence: intron variant.
Genome position (GRCh38, 1-based): chr3:4,775,216, C>A. VCF-style: chr3-4775216-C-A. GRCh37 (hg19) VCF-style: chr3-4816900-C-A.
Other names: c.5836-26C>A (NM_001099952.4); c.5935-26C>A (NM_001168272.2); c.5791-26C>A (NM_002222.7).
Identifiers: ClinVar variation 4850977 (VCV004850977.2).